The following is an entry in ClinVar:

NM_006361.6(HOXB13):c.127A>T (p.Met43Leu)

Gene: HOXB13 (homeobox B13; minus strand). Cytogenetic location: 17q21.32.
Variant type: single nucleotide variant.
Coding change: c.127A>T on transcript NM_006361.6 (MANE Select); coding-DNA position 127, A replaced by T.
Protein change: p.Met43Leu; replaces methionine 43 with leucine.
Molecular consequence: missense variant.
Genome position (GRCh38, 1-based): chr17:48,728,467, T>A on the plus strand (A>T on the coding strand, the complement: HOXB13 is on the minus strand). VCF-style: chr17-48728467-T-A. GRCh37 (hg19) VCF-style: chr17-46805829-T-A.
Other names: short protein forms M43L.
Identifiers: ClinVar variation 2120064 (VCV002120064.4), dbSNP rs2509515979, ClinGen allele CA400109195.

ClinVar aggregate classification (germline): Uncertain significance (1 of 4 stars; one submission).

Submission:

Labcorp Genetics (formerly Invitae), Labcorp
Classification: Uncertain significance. Last evaluated: 2022-03-31. Review status: criteria provided, single submitter. Criteria: Invitae Variant Classification Sherloc (09022015). Collection method: clinical testing. Allele origin: germline.
Comment: In summary, the available evidence is currently insufficient to determine the role of this variant in disease. Therefore, it has been classified as a Variant of Uncertain Significance. Algorithms developed to predict the effect of missense changes on protein structure and function output the following: SIFT: "Tolerated"; PolyPhen-2: "Benign"; Align-GVGD: "Class C0". The leucine amino acid residue is found in multiple mammalian species, which suggests that this missense change does not adversely affect protein function. This variant has not been reported in the literature in individuals affected with HOXB13-related conditions. This variant is not present in population databases (gnomAD no frequency). This sequence change replaces methionine, which is neutral and non-polar, with leucine, which is neutral and non-polar, at codon 43 of the HOXB13 protein (p.Met43Leu).